The following is an entry in ClinVar:

ClinVar aggregate classification (germline): Uncertain significance (1 of 4 stars; one submission).

Submission:

Ambry Genetics
Classification: Uncertain significance. Last evaluated: 2024-10-31. Review status: criteria provided, single submitter. Criteria: Ambry Variant Classification Scheme 2023. Collection method: clinical testing. Allele origin: germline.
Comment: The p.L2033R variant (also known as c.6098T>G), located in coding exon 10 of the ALPK2 gene, results from a T to G substitution at nucleotide position 6098. The leucine at codon 2033 is replaced by arginine, an amino acid with dissimilar properties. This amino acid position is conserved. In addition, the in silico prediction for this alteration is inconclusive. Based on the available evidence, the clinical significance of this variant remains unclear.

NM_052947.4(ALPK2):c.6098T>G (p.Leu2033Arg)

Gene: ALPK2 (alpha kinase 2; minus strand). Cytogenetic location: 18q21.31.
Variant type: single nucleotide variant.
Coding change: c.6098T>G on transcript NM_052947.4 (MANE Select); coding-DNA position 6098, T replaced by G.
Protein change: p.Leu2033Arg; replaces leucine 2033 with arginine.
Molecular consequence: missense variant.
Genome position (GRCh38, 1-based): chr18:58,504,080, A>C on the plus strand (T>G on the coding strand, the complement: ALPK2 is on the minus strand). VCF-style: chr18-58504080-A-C. GRCh37 (hg19) VCF-style: chr18-56171312-A-C.
Other names: short protein forms L2033R.
Identifiers: ClinVar variation 3530091 (VCV003530091.1).